The following is an entry in ClinVar:

ClinVar aggregate classification (germline): Uncertain significance (1 of 4 stars; one submission).

Submission:

Labcorp Genetics (formerly Invitae), Labcorp
Classification: Uncertain significance. Last evaluated: 2021-07-21. Review status: criteria provided, single submitter. Criteria: Invitae Variant Classification Sherloc (09022015). Collection method: clinical testing. Allele origin: germline.
Comment: This sequence change replaces aspartic acid with asparagine at codon 198 of the POLG2 protein (p.Asp198Asn). The aspartic acid residue is moderately conserved and there is a small physicochemical difference between aspartic acid and asparagine. This variant is not present in population databases (ExAC no frequency). This variant has not been reported in the literature in individuals affected with POLG2-related conditions. Algorithms developed to predict the effect of missense changes on protein structure and function are either unavailable or do not agree on the potential impact of this missense change (SIFT: "Tolerated"; PolyPhen-2: "Possibly Damaging"; Align-GVGD: "Class C0"). In summary, the available evidence is currently insufficient to determine the role of this variant in disease. Therefore, it has been classified as a Variant of Uncertain Significance.

NM_007215.4(POLG2):c.592G>A (p.Asp198Asn)

Genes: MILR1 (mast cell immunoglobulin like receptor 1; plus strand), POLG2 (DNA polymerase gamma 2, accessory subunit; minus strand). Cytogenetic location: 17q23.3.
Variant type: single nucleotide variant.
Coding change: c.592G>A on transcript NM_007215.4 (MANE Select); coding-DNA position 592, G replaced by A.
Protein change: p.Asp198Asn; replaces aspartic acid 198 with asparagine.
Molecular consequence: missense variant.
Genome position (GRCh38, 1-based): chr17:64,492,992, C>T on the plus strand (G>A on the coding strand, the complement: POLG2 is on the minus strand). VCF-style: chr17-64492992-C-T. GRCh37 (hg19) VCF-style: chr17-62489109-C-T.
Other names: short protein forms D198N.
Identifiers: ClinVar variation 1506661 (VCV001506661.8), dbSNP rs2144200372, ClinGen allele CA400639746.